The following is an entry in ClinVar:

NM_004006.3(DMD):c.2169-18T>C

Gene: DMD (dystrophin; minus strand). Cytogenetic location: Xp21.1.
Variant type: single nucleotide variant.
Coding change: c.2169-18T>C on transcript NM_004006.3 (MANE Select); 18 bases into the intron before coding-DNA position 2169, T replaced by C.
Molecular consequence: intron variant.
Genome position (GRCh38, 1-based): chrX:32,518,149, A>G on the plus strand (T>C on the coding strand, the complement: DMD is on the minus strand). VCF-style: chrX-32518149-A-G. GRCh37 (hg19) VCF-style: chrX-32536266-A-G.
Other names: c.2145-18T>C (NM_000109.4); c.2157-18T>C (NM_004009.3); c.1800-18T>C (NM_004010.3).
Identifiers: ClinVar variation 2720235 (VCV002720235.4), dbSNP rs2046044358, ClinGen allele CA1132135596.
Genomic context (GRCh38, chrX:32,518,149, plus strand): 5'-GCGAGTAATCCAGCTGTGAAGTTCAGTTATATCAACATCCAACCTAAGACAGCAAAAAAT[A>G]AAAGTCATTATTTCTTGATTATCTCTTTCTTCTATATTAAAAAAAGCAATTTATCCACAT-3'

ClinVar aggregate classification (germline): Likely benign. Review status: criteria provided, multiple submitters, no conflicts (2 of 4 stars). 2 submissions from 2 submitters: Likely benign (2). Last evaluated 2024-05-13.

Conditions:
Duchenne muscular dystrophy (DMD). Also called: MUSCULAR DYSTROPHY, PSEUDOHYPERTROPHIC PROGRESSIVE, DUCHENNE TYPE; Duchenne Muscular Dystrophy (DMD). Identifiers: Orphanet 98896, MedGen C0013264, MONDO:0010679, OMIM 310200.

Allele frequency attached by ClinVar (database versions not stated): gnomAD exomes below 0.00001; TOPMed below 0.00001; gnomAD 0.00001.
gnomAD v4.1: 3 of 1,194,701 alleles (0.00025%); highest among the groups gnomAD compares: Admixed American, 0.0044%; no homozygotes.

Submissions (2):

Women's Health and Genetics/Laboratory Corporation of America, LabCorp
Classification: Likely benign. Last evaluated: 2024-05-13. Review status: criteria provided, single submitter. Criteria: LabCorp Variant Classification Summary - May 2015. Collection method: clinical testing. Allele origin: germline.
Comment: Variant summary: DMD c.2169-18T>C alters a conserved nucleotide located at a position not widely known to affect splicing. Consensus agreement among computation tools predict no significant impact on normal splicing. However, these predictions have yet to be confirmed by functional studies. The variant was absent in 175344 control chromosomes. The available data on variant occurrences in the general population are insufficient to allow any conclusion about variant significance. To our knowledge, no occurrence of c.2169-18T>C in individuals affected with Duchenne Muscular Dystrophy and no experimental evidence demonstrating its impact on protein function have been reported. ClinVar contains an entry for this variant (Variation ID: 2720235). Based on the evidence outlined above, the variant was classified as likely benign.

Labcorp Genetics (formerly Invitae), Labcorp
Classification: Likely benign for Duchenne muscular dystrophy. Last evaluated: 2024-02-01. Review status: criteria provided, single submitter. Criteria: Invitae Variant Classification Sherloc (09022015). Collection method: clinical testing. Allele origin: germline.